The following is an entry in ClinVar:

NM_000090.4(COL3A1):c.4080C>T (p.Leu1360=)

Gene: COL3A1 (collagen type III alpha 1 chain; plus strand). Cytogenetic location: 2q32.2.
Variant type: single nucleotide variant.
Coding change: c.4080C>T on transcript NM_000090.4 (MANE Select); coding-DNA position 4080, C replaced by T.
Protein change: p.Leu1360=; no amino-acid change (leucine 1360 retained).
Molecular consequence: synonymous variant.
Genome position (GRCh38, 1-based): chr2:189,010,716, C>T. VCF-style: chr2-189010716-C-T. GRCh37 (hg19) VCF-style: chr2-189875442-C-T.
Identifiers: ClinVar variation 1701405 (VCV001701405.33), dbSNP rs771682647, ClinGen allele CA430442245.

ClinVar aggregate classification (germline): Likely benign. Review status: criteria provided, multiple submitters, no conflicts (2 of 4 stars). 2 submissions from 2 submitters: Likely benign (2). Last evaluated 2022-12-23.

Conditions:
Familial thoracic aortic aneurysm and aortic dissection (TAAD). Also called: Thoracic aortic aneurysms and dissections. Identifiers: Orphanet 91387, MedGen C4707243, MONDO:0019625.

gnomAD v4.1: 1 of 1,614,144 alleles (0.000062%); highest among the groups gnomAD compares: East Asian, 0.0022%; no homozygotes.

Submissions (2):

Ambry Genetics
Classification: Likely benign for Familial thoracic aortic aneurysm and aortic dissection. Last evaluated: 2022-12-23. Review status: criteria provided, single submitter. Criteria: Ambry Variant Classification Scheme 2023. Collection method: clinical testing. Allele origin: germline.

CeGaT Center for Human Genetics Tuebingen
Classification: Likely benign. Last evaluated: 2022-07-01. Review status: criteria provided, single submitter. Criteria: CeGaT Center For Human Genetics Tuebingen Variant Classification Criteria Version 2. Collection method: clinical testing. Allele origin: germline. Affected: yes. Observed: 1 variant allele.
Comment: COL3A1: PM2:Supporting, BP4, BP7